The following is an entry in ClinVar:

NM_000051.4(ATM):c.8647G>C (p.Ala2883Pro)

Genes: C11orf65 (chromosome 11 open reading frame 65; minus strand), ATM (ATM serine/threonine kinase; plus strand). Cytogenetic location: 11q22.3.
Variant type: single nucleotide variant.
Coding change: c.8647G>C on transcript NM_000051.4 (MANE Select); coding-DNA position 8647, G replaced by C.
Protein change: p.Ala2883Pro; replaces alanine 2883 with proline.
Molecular consequence: missense variant. On other transcripts: intron variant (2).
Genome position (GRCh38, 1-based): chr11:108,347,341, G>C. VCF-style: chr11-108347341-G-C. GRCh37 (hg19) VCF-style: chr11-108218068-G-C.
Other names: c.8647G>C, p.Ala2883Pro (NM_001351834.2); c.641-38270C>G (NM_001330368.2); c.695-12049C>G (NM_001351110.2); short protein forms A2883P.
Identifiers: ClinVar variation 1764147 (VCV001764147.2), dbSNP rs2137083750, ClinGen allele CA382521034.

ClinVar aggregate classification (germline): Uncertain significance (1 of 4 stars; one submission).

Conditions:
Hereditary cancer-predisposing syndrome. Also called: Hereditary neoplastic syndrome; Neoplastic Syndromes, Hereditary; Tumor predisposition; Hereditary Cancer Syndrome. Identifiers: Orphanet 140162, MedGen C0027672, MeSH D009386, MONDO:0015356.

Submission:

Ambry Genetics
Classification: Uncertain significance for Hereditary cancer-predisposing syndrome. Last evaluated: 2019-11-20. Review status: criteria provided, single submitter. Criteria: Ambry Variant Classification Scheme 2023. Collection method: clinical testing. Allele origin: germline.
Comment: The p.A2883P variant (also known as c.8647G>C), located in coding exon 58 of the ATM gene, results from a G to C substitution at nucleotide position 8647. The alanine at codon 2883 is replaced by proline, an amino acid with highly similar properties. This amino acid position is highly conserved in available vertebrate species. In addition, this alteration is predicted to be deleterious by in silico analysis. Since supporting evidence is limited at this time, the clinical significance of this alteration remains unclear.